The following is an entry in ClinVar:

ClinVar aggregate classification (germline): Conflicting classifications of pathogenicity. Review status: criteria provided, conflicting classifications (1 of 4 stars). 4 submissions from 4 submitters: Uncertain significance (3); Likely benign (1). Last evaluated 2025-12-25.

Conditions:
Inborn genetic diseases. Identifiers: MedGen C0950123, MeSH D030342.

gnomAD v4.1: 1 of 1,613,948 alleles (0.000062%); highest among the groups gnomAD compares: South Asian, 0.0011%; no homozygotes.

Submissions (4):

Labcorp Genetics (formerly Invitae), Labcorp
Classification: Uncertain significance. Last evaluated: 2025-12-25. Review status: criteria provided, single submitter. Criteria: Invitae Variant Classification Sherloc (09022015). Collection method: clinical testing. Allele origin: germline.
Comment: This sequence change replaces asparagine, which is neutral and polar, with aspartic acid, which is acidic and polar, at codon 303 of the ANKRD26 protein (p.Asn303Asp). This variant is present in population databases (rs756747546, gnomAD 0.003%). This variant has not been reported in the literature in individuals affected with ANKRD26-related conditions. ClinVar contains an entry for this variant (Variation ID: 4071862). An algorithm developed to predict the effect of missense changes on protein structure and function (PolyPhen-2) suggests that this variant is likely to be tolerated. In summary, the available evidence is currently insufficient to determine the role of this variant in disease. Therefore, it has been classified as a Variant of Uncertain Significance.

Ambry Genetics
Classification: Uncertain significance for Inborn genetic diseases. Last evaluated: 2025-11-03. Review status: criteria provided, single submitter. Criteria: Ambry Variant Classification Scheme 2023. Collection method: clinical testing. Allele origin: germline.
Comment: The p.N303D variant (also known as c.907A>G), located in coding exon 9 of the ANKRD26 gene, results from an A to G substitution at nucleotide position 907. The asparagine at codon 303 is replaced by aspartic acid, an amino acid with highly similar properties. This amino acid position is conserved. In addition, this alteration is predicted to be tolerated by in silico analysis. Based on the available evidence, the clinical significance of this variant remains unclear.

GeneDx
Classification: Uncertain significance. Last evaluated: 2025-01-23. Review status: criteria provided, single submitter. Criteria: GeneDx Variant Classification Process June 2021. Collection method: clinical testing. Allele origin: germline. Affected: yes.
Comment: Not observed at significant frequency in large population cohorts (gnomAD); In silico analysis indicates that this missense variant does not alter protein structure/function; Has not been previously published as pathogenic or benign to our knowledge

Blueprint Genetics
Classification: Likely benign. Last evaluated: 2022-08-10. Review status: criteria provided, single submitter. Criteria: ACMG Guidelines, 2015. Collection method: clinical testing. Allele origin: germline.

NM_014915.3(ANKRD26):c.907A>G (p.Asn303Asp)

Gene: ANKRD26 (ankyrin repeat domain 26; minus strand). Cytogenetic location: 10p12.1.
Variant type: single nucleotide variant.
Coding change: c.907A>G on transcript NM_014915.3 (MANE Select); coding-DNA position 907, A replaced by G.
Protein change: p.Asn303Asp; replaces asparagine 303 with aspartic acid.
Molecular consequence: missense variant.
Genome position (GRCh38, 1-based): chr10:27,077,508, T>C on the plus strand (A>G on the coding strand, the complement: ANKRD26 is on the minus strand). VCF-style: chr10-27077508-T-C. GRCh37 (hg19) VCF-style: chr10-27366437-T-C.
Other names: c.907A>G, p.Asn303Asp (NM_001256053.2); short protein forms N303D.
Identifiers: ClinVar variation 4071862 (VCV004071862.4).
Genomic context (GRCh38, chr10:27,077,508, plus strand): 5'-GGCTTTCAACCACAACTTCATCTTGACTATCGGAATCTCTATCCTCAAACAAAGTTCTAT[T>C]TCCTGTTCTCACAGTGCCATATGTTGCTTCTACTACAGTAAAAACAAAATAAAGAGTAAA-3'
Protein context (NP_055730.2, residues 293-313): EATYGTVRTG[Asn303Asp]RTLFEDRDSD